The following is an entry in ClinVar:

NM_021619.3(PRDM12):c.78G>T (p.Glu26Asp)

Gene: PRDM12 (PR/SET domain 12; plus strand). Cytogenetic location: 9q34.12.
Variant type: single nucleotide variant.
Coding change: c.78G>T on transcript NM_021619.3 (MANE Select); coding-DNA position 78, G replaced by T.
Protein change: p.Glu26Asp; replaces glutamic acid 26 with aspartic acid.
Molecular consequence: missense variant.
Genome position (GRCh38, 1-based): chr9:130,664,731, G>T. VCF-style: chr9-130664731-G-T. GRCh37 (hg19) VCF-style: chr9-133540118-G-T.
Other names: short protein forms E26D.
Identifiers: ClinVar variation 1404493 (VCV001404493.3), dbSNP rs546473973, ClinGen allele CA5284460.

ClinVar aggregate classification (germline): Uncertain significance (1 of 4 stars; one submission).

Conditions:
Congenital insensitivity to pain-hypohidrosis syndrome. Also called: HSAN VIII; Neuropathy, hereditary sensory and autonomic, type VIII. Identifiers: Orphanet 478664, MedGen C4225308, MONDO:0014662, OMIM 616488.

Allele frequency attached by ClinVar (database versions not stated): gnomAD exomes below 0.00001 and 0.00001; ExAC 0.00001; gnomAD 0.00001; TOPMed 0.00002; 1000 Genomes Project 30x 0.00016; 1000 Genomes Project 0.00020.
gnomAD v4.1: 4 of 1,610,604 alleles (0.00025%); highest among the groups gnomAD compares: African/African-American, 0.0053%; no homozygotes.

Submission:

Labcorp Genetics (formerly Invitae), Labcorp
Classification: Uncertain significance for Congenital insensitivity to pain-hypohidrosis syndrome. Last evaluated: 2021-11-05. Review status: criteria provided, single submitter. Criteria: Invitae Variant Classification Sherloc (09022015). Collection method: clinical testing. Allele origin: germline.
Comment: This sequence change replaces glutamic acid, which is acidic and polar, with aspartic acid, which is acidic and polar, at codon 26 of the PRDM12 protein (p.Glu26Asp). This variant is present in population databases (rs546473973, gnomAD 0.01%). This variant has not been reported in the literature in individuals affected with PRDM12-related conditions. Algorithms developed to predict the effect of missense changes on protein structure and function (SIFT, PolyPhen-2, Align-GVGD) all suggest that this variant is likely to be tolerated. In summary, the available evidence is currently insufficient to determine the role of this variant in disease. Therefore, it has been classified as a Variant of Uncertain Significance.